The following is an entry in ClinVar:

ClinVar aggregate classification (germline): Uncertain significance. Review status: criteria provided, multiple submitters, no conflicts (2 of 4 stars). 2 submissions from 2 submitters: Uncertain significance (2). Last evaluated 2025-06-07.

Conditions:
Inborn genetic diseases. Identifiers: MedGen C0950123, MeSH D030342.

gnomAD v4.1: 8 of 1,613,604 alleles (0.0005%); highest among the groups gnomAD compares: East Asian, 0.013%; no homozygotes.

Submissions (2):

Ambry Genetics
Classification: Uncertain significance for Inborn genetic diseases. Last evaluated: 2025-06-07. Review status: criteria provided, single submitter. Criteria: Ambry Variant Classification Scheme 2023. Collection method: clinical testing. Allele origin: germline.

Labcorp Genetics (formerly Invitae), Labcorp
Classification: Uncertain significance. Last evaluated: 2022-05-20. Review status: criteria provided, single submitter. Criteria: Invitae Variant Classification Sherloc (09022015). Collection method: clinical testing. Allele origin: germline.
Comment: In summary, the available evidence is currently insufficient to determine the role of this variant in disease. Therefore, it has been classified as a Variant of Uncertain Significance. Algorithms developed to predict the effect of missense changes on protein structure and function are either unavailable or do not agree on the potential impact of this missense change (SIFT: "Tolerated"; PolyPhen-2: "Not Available"; Align-GVGD: "Class C0"). This variant has not been reported in the literature in individuals affected with RIN2-related conditions. This variant is present in population databases (rs780096061, gnomAD 0.02%). This sequence change replaces arginine, which is basic and polar, with glutamine, which is neutral and polar, at codon 303 of the RIN2 protein (p.Arg303Gln).

NM_018993.4(RIN2):c.908G>A (p.Arg303Gln)

Gene: RIN2 (Ras and Rab interactor 2; plus strand). Cytogenetic location: 20p11.23.
Variant type: single nucleotide variant.
Coding change: c.908G>A on transcript NM_018993.4 (MANE Select); coding-DNA position 908, G replaced by A.
Protein change: p.Arg303Gln; replaces arginine 303 with glutamine.
Molecular consequence: missense variant.
Genome position (GRCh38, 1-based): chr20:19,974,933, G>A. VCF-style: chr20-19974933-G-A. GRCh37 (hg19) VCF-style: chr20-19955577-G-A.
Other names: c.1055G>A, p.Arg352Gln (NM_001242581.2); c.290G>A, p.Arg97Gln (NM_001378238.1); c.908G>A (NM_018993.3); short protein forms R303Q, R352Q, R97Q.
Identifiers: ClinVar variation 2088324 (VCV002088324.5), dbSNP rs780096061, ClinGen allele CA9779966.